The following is an entry in ClinVar:

NM_015378.4(VPS13D):c.3698A>G (p.Gln1233Arg)

Gene: VPS13D (vacuolar protein sorting 13 homolog D; plus strand). Cytogenetic location: 1p36.22.
Variant type: single nucleotide variant.
Coding change: c.3698A>G on transcript NM_015378.4 (MANE Select); coding-DNA position 3698, A replaced by G.
Protein change: p.Gln1233Arg; replaces glutamine 1233 with arginine.
Molecular consequence: missense variant.
Genome position (GRCh38, 1-based): chr1:12,277,286, A>G. VCF-style: chr1-12277286-A-G. GRCh37 (hg19) VCF-style: chr1-12337343-A-G.
Other names: c.3698A>G (NM_015378.2); c.3698A>G, p.Gln1233Arg (NM_018156.4); short protein forms Q1233R.
Identifiers: ClinVar variation 1961057 (VCV001961057.6), dbSNP rs1434348339, ClinGen allele CA338476349.
Genomic context (GRCh38, chr1:12,277,286, plus strand): 5'-TGAATGGTTCTCTTGGCTGTTTACAGCTTATGGATTTGACACAAGATAACGTTAAAAACC[A>G]GTATGTTGTCAGCATTGGGAATTCTGTAGGCTATGAAAATATCATCAGTGATATTGGCTA-3'
Protein context (NP_056193.2, residues 1223-1243): MDLTQDNVKN[Gln1233Arg]YVVSIGNSVG

ClinVar aggregate classification (germline): Uncertain significance. Review status: criteria provided, multiple submitters, no conflicts (2 of 4 stars). 2 submissions from 2 submitters: Uncertain significance (2). Last evaluated 2024-08-19.

Conditions:
Inborn genetic diseases. Identifiers: MedGen C0950123, MeSH D030342.

Allele frequency attached by ClinVar (database versions not stated): TOPMed below 0.00001; gnomAD exomes 0.00001.
gnomAD v4.1: 6 of 1,614,228 alleles (0.00037%); highest among the groups gnomAD compares: Admixed American, 0.0017%; no homozygotes.

Submissions (2):

Ambry Genetics
Classification: Uncertain significance for Inborn genetic diseases. Last evaluated: 2024-08-19. Review status: criteria provided, single submitter. Criteria: Ambry Variant Classification Scheme 2023. Collection method: clinical testing. Allele origin: germline.

Labcorp Genetics (formerly Invitae), Labcorp
Classification: Uncertain significance. Last evaluated: 2022-10-17. Review status: criteria provided, single submitter. Criteria: Invitae Variant Classification Sherloc (09022015). Collection method: clinical testing. Allele origin: germline.
Comment: Advanced modeling of protein sequence and biophysical properties (such as structural, functional, and spatial information, amino acid conservation, physicochemical variation, residue mobility, and thermodynamic stability) performed at Invitae indicates that this missense variant is not expected to disrupt VPS13D protein function. This sequence change replaces glutamine, which is neutral and polar, with arginine, which is basic and polar, at codon 1233 of the VPS13D protein (p.Gln1233Arg). This variant is present in population databases (no rsID available, gnomAD 0.003%). This variant has not been reported in the literature in individuals affected with VPS13D-related conditions. In summary, the available evidence is currently insufficient to determine the role of this variant in disease. Therefore, it has been classified as a Variant of Uncertain Significance.